The following is an entry in ClinVar:

NM_000548.5(TSC2):c.1022C>T (p.Ser341Phe)

Gene: TSC2 (TSC complex subunit 2; plus strand). Cytogenetic location: 16p13.3.
Variant type: single nucleotide variant.
Coding change: c.1022C>T on transcript NM_000548.5 (MANE Select); coding-DNA position 1022, C replaced by T.
Protein change: p.Ser341Phe; replaces serine 341 with phenylalanine.
Molecular consequence: missense variant.
Genome position (GRCh38, 1-based): chr16:2,060,716, C>T. VCF-style: chr16-2060716-C-T. GRCh37 (hg19) VCF-style: chr16-2110717-C-T.
Other names: c.1022C>T, p.Ser341Phe (NM_001077183.3, NM_001114382.3, NM_001363528.2 and 3 more transcripts); c.911C>T, p.Ser304Phe (NM_001318827.2); c.875C>T, p.Ser292Phe (NM_001318829.2); c.422C>T, p.Ser141Phe (NM_001318831.2); c.1055C>T, p.Ser352Phe (NM_001318832.2); short protein forms S292F, S304F, S341F, S352F, S141F.
Identifiers: ClinVar variation 847500 (VCV000847500.13), dbSNP rs2086524884, ClinGen allele CA394317585.

ClinVar aggregate classification (germline): Uncertain significance. Review status: criteria provided, multiple submitters, no conflicts (2 of 4 stars). 3 submissions from 3 submitters: Uncertain significance (3). Last evaluated 2025-01-28.

Conditions:
Hereditary cancer-predisposing syndrome. Also called: Neoplastic Syndromes, Hereditary; Hereditary Cancer Syndrome; Hereditary neoplastic syndrome; Tumor predisposition. Identifiers: Orphanet 140162, MedGen C0027672, MeSH D009386, MONDO:0015356.
Tuberous sclerosis 2 (TSC2). Identifiers: Orphanet 805, MedGen C1860707, MONDO:0013199, OMIM 613254.

Submissions (3):

Labcorp Genetics (formerly Invitae), Labcorp
Classification: Uncertain significance for Tuberous sclerosis 2. Last evaluated: 2025-01-28. Review status: criteria provided, single submitter. Criteria: Invitae Variant Classification Sherloc (09022015). Collection method: clinical testing. Allele origin: germline.
Comment: This sequence change replaces serine, which is neutral and polar, with phenylalanine, which is neutral and non-polar, at codon 341 of the TSC2 protein (p.Ser341Phe). This variant is not present in population databases (gnomAD no frequency). This variant has not been reported in the literature in individuals affected with TSC2-related conditions. ClinVar contains an entry for this variant (Variation ID: 847500). Invitae Evidence Modeling of protein sequence and biophysical properties (such as structural, functional, and spatial information, amino acid conservation, physicochemical variation, residue mobility, and thermodynamic stability) indicates that this missense variant is not expected to disrupt TSC2 protein function with a negative predictive value of 95%. In summary, the available evidence is currently insufficient to determine the role of this variant in disease. Therefore, it has been classified as a Variant of Uncertain Significance.

Ambry Genetics
Classification: Uncertain significance for Hereditary cancer-predisposing syndrome. Last evaluated: 2024-06-13. Review status: criteria provided, single submitter. Criteria: Ambry Variant Classification Scheme 2023. Collection method: clinical testing. Allele origin: germline.
Comment: The p.S341F variant (also known as c.1022C>T), located in coding exon 10 of the TSC2 gene, results from a C to T substitution at nucleotide position 1022. The serine at codon 341 is replaced by phenylalanine, an amino acid with highly dissimilar properties. This amino acid position is highly conserved in available vertebrate species. In addition, this alteration is predicted to be deleterious by in silico analysis. Based on the available evidence, the clinical significance of this variant remains unclear.

GeneDx
Classification: Uncertain significance. Last evaluated: 2024-03-20. Review status: criteria provided, single submitter. Criteria: GeneDx Variant Classification Process June 2021. Collection method: clinical testing. Allele origin: germline. Affected: yes.
Comment: Not observed at significant frequency in large population cohorts (gnomAD); In silico analysis supports that this missense variant has a deleterious effect on protein structure/function; Has not been previously published as pathogenic or benign to our knowledge; This variant is associated with the following publications: (PMID: 18466115)